The following is an entry in ClinVar:

NC_012920.1(MT-TS2):m.12216C>T

Gene: MT-TS2 (mitochondrially encoded tRNA serine 2 (AGU/C); plus strand).
Variant type: single nucleotide variant.
Genome position: chrM-12216-C-T.
Identifiers: ClinVar variation 690160 (VCV000690160.1), dbSNP rs1603223618, ClinGen allele CA913169744.

ClinVar aggregate classification (germline): Benign (1 of 4 stars; one submission).

Conditions:
MELAS syndrome (MELAS). Also called: Juvenile myopathy, encephalopathy, lactic acidosis, stroke. Identifiers: Orphanet 550, MedGen C0162671, MONDO:0010789, OMIM 540000.

Submission:

Wong Mito Lab, Molecular and Human Genetics, Baylor College of Medicine
Classification: Benign for MELAS syndrome. Last evaluated: 2019-07-12. Review status: criteria provided, single submitter. Criteria: Modified ACMG Guidelines (Unpublished). Collection method: clinical testing. Allele origin: germline.
Comment: The NC_012920.1:m.12216C>T variant in MT-TS2 gene is interpreted to be a Benign variant based on the modified ACMG guidelines (unpublished). This variant meets the following evidence codes reported in the guidelines: BS1, BS2, BP4

Literature cited by the submitters: PubMed 31965079.